The following is an entry in ClinVar:

NM_018915.4(PCDHGA2):c.1783G>A (p.Asp595Asn)

Genes: PCDHG@ (protocadherin gamma cluster; plus strand), PCDHGA1 (protocadherin gamma subfamily A, 1; plus strand), PCDHGA2 (protocadherin gamma subfamily A, 2; plus strand). Cytogenetic location: 5q31.3.
Variant type: single nucleotide variant.
Coding change: c.1783G>A on transcript NM_018915.4 (MANE Select); coding-DNA position 1783, G replaced by A.
Protein change: p.Asp595Asn; replaces aspartic acid 595 with asparagine.
Molecular consequence: missense variant. On other transcripts: intron variant (1).
Genome position (GRCh38, 1-based): chr5:141,340,754, G>A. VCF-style: chr5-141340754-G-A. GRCh37 (hg19) VCF-style: chr5-140720321-G-A.
Other names: c.1783G>A, p.Asp595Asn (NM_032009.3); c.2421+7649G>A (NM_018912.3); short protein forms D595N.
Identifiers: ClinVar variation 2655839 (VCV002655839.24), dbSNP rs61749034, ClinGen allele CA3467484.

ClinVar aggregate classification (germline): Likely benign (1 of 4 stars; one submission).

Allele frequency attached by ClinVar (database versions not stated): gnomAD exomes 0.00027; ExAC 0.00090; 1000 Genomes Project 30x 0.00203; 1000 Genomes Project 0.00220; gnomAD 0.00247; TOPMed 0.00267; ESP Exome Variant Server 0.00354.
gnomAD v4.1: 783 of 1,613,978 alleles (0.049%); highest among the groups gnomAD compares: African/African-American, 0.93%; 3 homozygotes.

Submission:

CeGaT Center for Human Genetics Tuebingen
Classification: Likely benign. Last evaluated: 2022-12-01. Review status: criteria provided, single submitter. Criteria: CeGaT Center For Human Genetics Tuebingen Variant Classification Criteria Version 2. Collection method: clinical testing. Allele origin: germline. Affected: yes. Observed: 1 variant allele.
Comment: PCDHGA2: PP3, BS2